The following is an entry in ClinVar:

NM_020320.5(RARS2):c.1426A>C (p.Thr476Pro)

Gene: RARS2 (arginyl-tRNA synthetase 2, mitochondrial; minus strand). Cytogenetic location: 6q15.
Variant type: single nucleotide variant.
Coding change: c.1426A>C on transcript NM_020320.5 (MANE Select); coding-DNA position 1426, A replaced by C.
Protein change: p.Thr476Pro; replaces threonine 476 with proline.
Molecular consequence: missense variant. On other transcripts: non-coding transcript variant (19).
Genome position (GRCh38, 1-based): chr6:87,518,254, T>G on the plus strand (A>C on the coding strand, the complement: RARS2 is on the minus strand). VCF-style: chr6-87518254-T-G. GRCh37 (hg19) VCF-style: chr6-88227972-T-G.
Other names: c.901A>C, p.Thr301Pro (NM_001318785.2, NM_001350506.2, NM_001350507.2 and 4 more transcripts); c.1426A>C, p.Thr476Pro (NM_001350505.2); short protein forms T476P, T301P.
Identifiers: ClinVar variation 2753625 (VCV002753625.3), dbSNP rs2483063304, ClinGen allele CA364921241.

ClinVar aggregate classification (germline): Uncertain significance (1 of 4 stars; one submission).

Submission:

Labcorp Genetics (formerly Invitae), Labcorp
Classification: Uncertain significance. Last evaluated: 2023-09-03. Review status: criteria provided, single submitter. Criteria: Invitae Variant Classification Sherloc (09022015). Collection method: clinical testing. Allele origin: germline.
Comment: Advanced modeling of protein sequence and biophysical properties (such as structural, functional, and spatial information, amino acid conservation, physicochemical variation, residue mobility, and thermodynamic stability) performed at Invitae indicates that this missense variant is not expected to disrupt RARS2 protein function. This variant has not been reported in the literature in individuals affected with RARS2-related conditions. This variant is not present in population databases (gnomAD no frequency). This sequence change replaces threonine, which is neutral and polar, with proline, which is neutral and non-polar, at codon 476 of the RARS2 protein (p.Thr476Pro). In summary, the available evidence is currently insufficient to determine the role of this variant in disease. Therefore, it has been classified as a Variant of Uncertain Significance.